The following is an entry in ClinVar:

NM_001135146.2(SLC39A8):c.360A>C (p.Lys120Asn)

Gene: SLC39A8 (solute carrier family 39 member 8; minus strand). Cytogenetic location: 4q24.
Variant type: single nucleotide variant.
Coding change: c.360A>C on transcript NM_001135146.2 (MANE Select); coding-DNA position 360, A replaced by C.
Protein change: p.Lys120Asn; replaces lysine 120 with asparagine.
Molecular consequence: missense variant.
Genome position (GRCh38, 1-based): chr4:102,315,690, T>G on the plus strand (A>C on the coding strand, the complement: SLC39A8 is on the minus strand). VCF-style: chr4-102315690-T-G. GRCh37 (hg19) VCF-style: chr4-103236847-T-G.
Other names: c.360A>C, p.Lys120Asn (NM_001135147.1, NM_022154.5); c.159A>C, p.Lys53Asn (NM_001135148.2); short protein forms K53N, K120N.
Identifiers: ClinVar variation 1939284 (VCV001939284.2), dbSNP rs141962534, ClinGen allele CA3025686.

ClinVar aggregate classification (germline): Uncertain significance (1 of 4 stars; one submission).

Allele frequency attached by ClinVar (database versions not stated): gnomAD 0.00001; TOPMed 0.00001; ExAC 0.00002; 1000 Genomes Project 30x 0.00016; 1000 Genomes Project 0.00020.
gnomAD v4.1: 5 of 1,611,460 alleles (0.00031%); highest among the groups gnomAD compares: Non-Finnish European, 0.00042%; no homozygotes.

Submission:

Labcorp Genetics (formerly Invitae), Labcorp
Classification: Uncertain significance. Last evaluated: 2022-02-22. Review status: criteria provided, single submitter. Criteria: Invitae Variant Classification Sherloc (09022015). Collection method: clinical testing. Allele origin: germline.
Comment: This sequence change replaces lysine, which is basic and polar, with asparagine, which is neutral and polar, at codon 120 of the SLC39A8 protein (p.Lys120Asn). This variant is present in population databases (rs141962534, gnomAD 0.002%). This variant has not been reported in the literature in individuals affected with SLC39A8-related conditions. Algorithms developed to predict the effect of missense changes on protein structure and function output the following: SIFT: "Tolerated"; PolyPhen-2: "Benign"; Align-GVGD: "Class C0". The asparagine amino acid residue is found in multiple mammalian species, which suggests that this missense change does not adversely affect protein function. In summary, the available evidence is currently insufficient to determine the role of this variant in disease. Therefore, it has been classified as a Variant of Uncertain Significance.